The following is an entry in ClinVar:

ClinVar aggregate classification (germline): Uncertain significance (1 of 4 stars; one submission).

Conditions:
Dilated cardiomyopathy 1HH (CMD1HH). Identifiers: Orphanet 154, MedGen C3151293, MONDO:0013479, OMIM 613881.
Myofibrillar myopathy 6. Identifiers: Orphanet 199340, MedGen C2751831, MONDO:0013061, OMIM 612954.

Submission:

Labcorp Genetics (formerly Invitae), Labcorp
Classification: Uncertain significance for Dilated cardiomyopathy 1HH; Myofibrillar myopathy 6. Last evaluated: 2023-12-18. Review status: criteria provided, single submitter. Criteria: Invitae Variant Classification Sherloc (09022015). Collection method: clinical testing. Allele origin: germline.
Comment: This sequence change replaces asparagine, which is neutral and polar, with threonine, which is neutral and polar, at codon 561 of the BAG3 protein (p.Asn561Thr). This variant is not present in population databases (gnomAD no frequency). This variant has not been reported in the literature in individuals affected with BAG3-related conditions. ClinVar contains an entry for this variant (Variation ID: 2124890). Advanced modeling of protein sequence and biophysical properties (such as structural, functional, and spatial information, amino acid conservation, physicochemical variation, residue mobility, and thermodynamic stability) performed at Invitae indicates that this missense variant is not expected to disrupt BAG3 protein function with a negative predictive value of 80%. In summary, the available evidence is currently insufficient to determine the role of this variant in disease. Therefore, it has been classified as a Variant of Uncertain Significance.

NM_004281.4(BAG3):c.1682A>C (p.Asn561Thr)

Gene: BAG3 (BAG cochaperone 3; plus strand). Cytogenetic location: 10q26.11.
Variant type: single nucleotide variant.
Coding change: c.1682A>C on transcript NM_004281.4 (MANE Select); coding-DNA position 1682, A replaced by C.
Protein change: p.Asn561Thr; replaces asparagine 561 with threonine.
Molecular consequence: missense variant.
Genome position (GRCh38, 1-based): chr10:119,677,236, A>C. VCF-style: chr10-119677236-A-C. GRCh37 (hg19) VCF-style: chr10-121436748-A-C.
Other names: short protein forms N561T.
Identifiers: ClinVar variation 2124890 (VCV002124890.4), dbSNP rs2494024954, ClinGen allele CA378297843.